The following is an entry in ClinVar:

NM_033225.6(CSMD1):c.767A>G (p.Glu256Gly)

Gene: CSMD1 (CUB and Sushi multiple domains 1; minus strand). Cytogenetic location: 8p23.2.
Variant type: single nucleotide variant.
Coding change: c.767A>G on transcript NM_033225.6 (MANE Select); coding-DNA position 767, A replaced by G.
Protein change: p.Glu256Gly; replaces glutamic acid 256 with glycine.
Molecular consequence: missense variant.
Genome position (GRCh38, 1-based): chr8:3,997,954, T>C on the plus strand (A>G on the coding strand, the complement: CSMD1 is on the minus strand). VCF-style: chr8-3997954-T-C. GRCh37 (hg19) VCF-style: chr8-3855476-T-C.
Other names: short protein forms E256G.
Identifiers: ClinVar variation 2628725 (VCV002628725.2), dbSNP rs1395187669, ClinGen allele CA370213457.
Genomic context (GRCh38, chr8:3,997,954, plus strand): 5'-GGGACTTACCATATGGATGGAGCTTCCGTGCCACTGATCTCTAAGAAATCATATCCTTCT[T>C]CTAGCTGAAAGTCAGTGAAGACCAGCGCAATGGTGTCCCCGGGCTCAGCCAGAATGGTCC-3'
Protein context (NP_150094.5, residues 246-266): IALVFTDFQL[Glu256Gly]EGYDFLEISG

ClinVar aggregate classification (germline): Uncertain significance (1 of 4 stars; one submission).

Conditions:
CSMD1-related disorder. Also called: CSMD1-related condition.

Submission:

PreventionGenetics, part of Exact Sciences
Classification: Uncertain significance for CSMD1-related condition. Last evaluated: 2024-11-04. Review status: criteria provided, single submitter. Criteria: ACMG Guidelines, 2015. Collection method: clinical testing. Allele origin: germline.
Comment: The CSMD1 c.767A>G variant is predicted to result in the amino acid substitution p.Glu256Gly. To our knowledge, this variant has not been reported in the literature. This variant is reported in 0.00090% of alleles in individuals of European (non-Finnish) descent in gnomAD. At this time, the clinical significance of this variant is uncertain due to the absence of conclusive functional and genetic evidence.